The following is an entry in ClinVar:

ClinVar aggregate classification (germline): Uncertain significance. Review status: criteria provided, multiple submitters, no conflicts (2 of 4 stars). 2 submissions from 2 submitters: Uncertain significance (2). Last evaluated 2025-10-02.

Conditions:
Inborn genetic diseases. Identifiers: MedGen C0950123, MeSH D030342.

gnomAD v4.1: 1 of 1,614,158 alleles (0.000062%); highest among the groups gnomAD compares: Non-Finnish European, 0.000085%; no homozygotes.

Submissions (2):

Ambry Genetics
Classification: Uncertain significance for Inborn genetic diseases. Last evaluated: 2025-10-02. Review status: criteria provided, single submitter. Criteria: Ambry Variant Classification Scheme 2023. Collection method: clinical testing. Allele origin: germline.

Women's Health and Genetics/Laboratory Corporation of America, LabCorp
Classification: Uncertain significance. Last evaluated: 2024-05-09. Review status: criteria provided, single submitter. Criteria: LabCorp Variant Classification Summary - May 2015. Collection method: clinical testing. Allele origin: germline.
Comment: Variant summary: INSR c.3868C>T (p.Leu1290Phe) results in a non-conservative amino acid change located in the protein kinase domain (IPR000719) of the encoded protein sequence. Four of five in-silico tools predict a damaging effect of the variant on protein function. The variant allele was found at a frequency of 4e-06 in 251424 control chromosomes. The available data on variant occurrences in the general population are insufficient to allow any conclusion about variant significance. To our knowledge, no occurrence of c.3868C>T in individuals affected with INSR-related conditions and no experimental evidence demonstrating its impact on protein function have been reported. No submitters have cited clinical-significance assessments for this variant to ClinVar. Based on the evidence outlined above, the variant was classified as uncertain significance.

NM_000208.4(INSR):c.3868C>T (p.Leu1290Phe)

Gene: INSR (insulin receptor; minus strand). Cytogenetic location: 19p13.2.
Variant type: single nucleotide variant.
Coding change: c.3868C>T on transcript NM_000208.4 (MANE Select); coding-DNA position 3868, C replaced by T.
Protein change: p.Leu1290Phe; replaces leucine 1290 with phenylalanine.
Molecular consequence: missense variant.
Genome position (GRCh38, 1-based): chr19:7,117,337, G>A on the plus strand (C>T on the coding strand, the complement: INSR is on the minus strand). VCF-style: chr19-7117337-G-A. GRCh37 (hg19) VCF-style: chr19-7117348-G-A.
Other names: c.3868C>T (NM_000208.2); c.3832C>T, p.Leu1278Phe (NM_001079817.3); short protein forms L1278F, L1290F.
Identifiers: ClinVar variation 3336065 (VCV003336065.2).